The following is an entry in ClinVar:

ClinVar aggregate classification (germline): Uncertain significance (1 of 4 stars; one submission).

gnomAD v4.1: 16 of 1,614,140 alleles (0.00099%); highest among the groups gnomAD compares: Admixed American, 0.0067%; no homozygotes.

Submission:

Labcorp Genetics (formerly Invitae), Labcorp
Classification: Uncertain significance. Last evaluated: 2025-02-19. Review status: criteria provided, single submitter. Criteria: Invitae Variant Classification Sherloc (09022015). Collection method: clinical testing. Allele origin: germline.
Comment: This sequence change replaces arginine, which is basic and polar, with cysteine, which is neutral and slightly polar, at codon 45 of the COX14 protein (p.Arg45Cys). This variant is present in population databases (rs541111837, gnomAD 0.02%). This variant has not been reported in the literature in individuals affected with COX14-related conditions. An algorithm developed to predict the effect of missense changes on protein structure and function (PolyPhen-2) suggests that this variant is likely to be tolerated. In summary, the available evidence is currently insufficient to determine the role of this variant in disease. Therefore, it has been classified as a Variant of Uncertain Significance.

NM_032901.4(COX14):c.133C>T (p.Arg45Cys)

Gene: COX14 (cytochrome c oxidase assembly factor COX14; plus strand). Cytogenetic location: 12q13.12.
Variant type: single nucleotide variant.
Coding change: c.133C>T on transcript NM_032901.4 (MANE Select); coding-DNA position 133, C replaced by T.
Protein change: p.Arg45Cys; replaces arginine 45 with cysteine.
Molecular consequence: missense variant.
Genome position (GRCh38, 1-based): chr12:50,120,176, C>T. VCF-style: chr12-50120176-C-T. GRCh37 (hg19) VCF-style: chr12-50513959-C-T.
Other names: c.133C>T, p.Arg45Cys (NM_001257133.2, NM_001257134.2); short protein forms R45C.
Identifiers: ClinVar variation 4702848 (VCV004702848.1).
Genomic context (GRCh38, chr12:50,120,176, plus strand): 5'-TATGGGGGGTACCTCTGCAGTGTCCGAGTCTACCACTATTTCCAGTGGCGCAGGGCCCAG[C>T]GCCAGGCCGCAGAAGAACAGAAGACCTCAGGAATCATGTAGAACTGGGGGGCTTTTTCTC-3'
Protein context (NP_116290.1, residues 35-55): YHYFQWRRAQ[Arg45Cys]QAAEEQKTSG